The following is an entry in ClinVar:

ClinVar aggregate classification (germline): Uncertain significance (1 of 4 stars; one submission).

Conditions:
Shprintzen-Goldberg syndrome (SGS). Also called: SHPRINTZEN-GOLDBERG CRANIOSYNOSTOSIS SYNDROME; CRANIOSYNOSTOSIS WITH ARACHNODACTYLY AND ABDOMINAL HERNIAS; Marfanoid disorder with craniosynostosis type 1; Marfanoid craniosynostosis syndrome; Shprintzen-Goldberg marfanoid syndrome. Identifiers: Orphanet 2462, MedGen C1321551, MONDO:0008426, OMIM 182212.

Submission:

Labcorp Genetics (formerly Invitae), Labcorp
Classification: Uncertain significance for Shprintzen-Goldberg syndrome. Last evaluated: 2021-05-07. Review status: criteria provided, single submitter. Criteria: Invitae Variant Classification Sherloc (09022015). Collection method: clinical testing. Allele origin: germline.
Comment: This variant is not present in population databases (ExAC no frequency). This sequence change replaces alanine with threonine at codon 205 of the SKI protein (p.Ala205Thr). The alanine residue is weakly conserved and there is a small physicochemical difference between alanine and threonine. This variant has not been reported in the literature in individuals with SKI-related conditions. In summary, the available evidence is currently insufficient to determine the role of this variant in disease. Therefore, it has been classified as a Variant of Uncertain Significance. Advanced modeling of protein sequence and biophysical properties (such as structural, functional, and spatial information, amino acid conservation, physicochemical variation, residue mobility, and thermodynamic stability) performed at Invitae indicates that this missense variant is not expected to disrupt SKI protein function.

NM_003036.4(SKI):c.613G>A (p.Ala205Thr)

Gene: SKI (SKI proto-oncogene; plus strand). Cytogenetic location: 1p36.33.
Variant type: single nucleotide variant.
Coding change: c.613G>A on transcript NM_003036.4 (MANE Select); coding-DNA position 613, G replaced by A.
Protein change: p.Ala205Thr; replaces alanine 205 with threonine.
Molecular consequence: missense variant.
Genome position (GRCh38, 1-based): chr1:2,229,379, G>A. VCF-style: chr1-2229379-G-A. GRCh37 (hg19) VCF-style: chr1-2160818-G-A.
Other names: short protein forms A205T.
Identifiers: ClinVar variation 1395449 (VCV001395449.8), dbSNP rs2100790567, ClinGen allele CA337954334.